The following is an entry in ClinVar:

NM_000246.4(CIITA):c.1336G>A (p.Asp446Asn)

Gene: CIITA (class II major histocompatibility complex transactivator; plus strand). Cytogenetic location: 16p13.13.
Variant type: single nucleotide variant.
Coding change: c.1336G>A on transcript NM_000246.4 (MANE Select); coding-DNA position 1336, G replaced by A.
Protein change: p.Asp446Asn; replaces aspartic acid 446 with asparagine.
Molecular consequence: missense variant. On other transcripts: intron variant (1).
Genome position (GRCh38, 1-based): chr16:10,906,828, G>A. VCF-style: chr16-10906828-G-A. GRCh37 (hg19) VCF-style: chr16-11000685-G-A.
Other names: c.1339G>A, p.Asp447Asn (NM_001286402.1, NM_001379332.1); c.1192G>A, p.Asp398Asn (NM_001379330.1); c.1189G>A, p.Asp397Asn (NM_001379331.1); c.1336G>A, p.Asp446Asn (NM_001379333.1); c.1267G>A, p.Asp423Asn (NM_001379334.1); c.859+2016G>A (NM_001286403.2); short protein forms D446N, D398N, D423N, D397N, D447N.
Identifiers: ClinVar variation 4693980 (VCV004693980.1).
Genomic context (GRCh38, chr16:10,906,828, plus strand): 5'-AAGAGCTATTGGGCTGGGGCAGTGAGCCGGGCCTGGGCTTGTGGCCGGCTTCCCCAGTAC[G>A]ACTTTGTCTTCTCTGTCCCCTGCCATTGCTTGAACCGTCCGGGGGATGCCTATGGCCTGC-3'
Protein context (NP_000237.2, residues 436-456): AWACGRLPQY[Asp446Asn]FVFSVPCHCL

ClinVar aggregate classification (germline): Uncertain significance (1 of 4 stars; one submission).

Conditions:
MHC class II deficiency. Also called: BLS, TYPE II; Bare lymphocyte syndrome 2. Identifiers: Orphanet 572, MedGen C5447452, MONDO:0008855.

Submission:

Labcorp Genetics (formerly Invitae), Labcorp
Classification: Uncertain significance for MHC class II deficiency. Last evaluated: 2025-07-11. Review status: criteria provided, single submitter. Criteria: Invitae Variant Classification Sherloc (09022015). Collection method: clinical testing. Allele origin: germline.
Comment: This sequence change replaces aspartic acid, which is acidic and polar, with asparagine, which is neutral and polar, at codon 446 of the CIITA protein (p.Asp446Asn). This variant is present in population databases (rs746605931, gnomAD 0.003%). This variant has not been reported in the literature in individuals affected with CIITA-related conditions. An algorithm developed to predict the effect of missense changes on protein structure and function (PolyPhen-2) suggests that this variant is likely to be disruptive. In summary, the available evidence is currently insufficient to determine the role of this variant in disease. Therefore, it has been classified as a Variant of Uncertain Significance.